The following is an entry in ClinVar:

NM_001384732.1(CPLANE1):c.7804A>G (p.Thr2602Ala)

Gene: CPLANE1 (ciliogenesis and planar polarity effector complex subunit 1; minus strand). Cytogenetic location: 5p13.2.
Variant type: single nucleotide variant.
Coding change: c.7804A>G on transcript NM_001384732.1 (MANE Select); coding-DNA position 7804, A replaced by G.
Protein change: p.Thr2602Ala; replaces threonine 2602 with alanine.
Molecular consequence: missense variant.
Genome position (GRCh38, 1-based): chr5:37,158,232, T>C on the plus strand (A>G on the coding strand, the complement: CPLANE1 is on the minus strand). VCF-style: chr5-37158232-T-C. GRCh37 (hg19) VCF-style: chr5-37158334-T-C.
Other names: c.7804A>G, p.Thr2602Ala (NM_023073.4); short protein forms T2602A.
Identifiers: ClinVar variation 1967041 (VCV001967041.5), dbSNP rs2547378155, ClinGen allele CA359475242.

ClinVar aggregate classification (germline): Uncertain significance (1 of 4 stars; one submission).

Submission:

Labcorp Genetics (formerly Invitae), Labcorp
Classification: Uncertain significance. Last evaluated: 2022-02-03. Review status: criteria provided, single submitter. Criteria: Invitae Variant Classification Sherloc (09022015). Collection method: clinical testing. Allele origin: germline.
Comment: This sequence change replaces threonine, which is neutral and polar, with alanine, which is neutral and non-polar, at codon 2602 of the CPLANE1 protein (p.Thr2602Ala). Advanced modeling of protein sequence and biophysical properties (such as structural, functional, and spatial information, amino acid conservation, physicochemical variation, residue mobility, and thermodynamic stability) performed at Invitae indicates that this missense variant is not expected to disrupt CPLANE1 protein function. In summary, the available evidence is currently insufficient to determine the role of this variant in disease. Therefore, it has been classified as a Variant of Uncertain Significance. This variant has not been reported in the literature in individuals affected with CPLANE1-related conditions. This variant is not present in population databases (gnomAD no frequency).